The following is an entry in ClinVar:

NM_000170.3(GLDC):c.2597A>G (p.Asp866Gly)

Gene: GLDC (glycine decarboxylase; minus strand). Cytogenetic location: 9p24.1.
Variant type: single nucleotide variant.
Coding change: c.2597A>G on transcript NM_000170.3 (MANE Select); coding-DNA position 2597, A replaced by G.
Protein change: p.Asp866Gly; replaces aspartic acid 866 with glycine.
Molecular consequence: missense variant.
Genome position (GRCh38, 1-based): chr9:6,540,119, T>C on the plus strand (A>G on the coding strand, the complement: GLDC is on the minus strand). VCF-style: chr9-6540119-T-C. GRCh37 (hg19) VCF-style: chr9-6540119-T-C.
Other names: short protein forms D866G.
Identifiers: ClinVar variation 940911 (VCV000940911.11), dbSNP rs1817224032, ClinGen allele CA372883702.

ClinVar aggregate classification (germline): Uncertain significance. Review status: criteria provided, single submitter (1 of 4 stars). 2 submissions from 2 submitters: Uncertain significance (1). 1 of the submissions does not count toward it. Last evaluated 2019-09-26.

Conditions:
Glycine encephalopathy. Also called: Nonketotic hyperglycinemia; Non-ketotic hyperglycinemia. Identifiers: Orphanet 407, MedGen C0751748, MONDO:0011612, HP:0008288.

gnomAD v4.1: 1 of 1,612,754 alleles (0.000062%); no homozygotes.

Submissions (2):

Labcorp Genetics (formerly Invitae), Labcorp
Classification: Uncertain significance for Glycine encephalopathy. Last evaluated: 2019-09-26. Review status: criteria provided, single submitter. Criteria: Invitae Variant Classification Sherloc (09022015). Collection method: clinical testing. Allele origin: germline.
Comment: This variant has not been reported in the literature in individuals with GLDC-related conditions. In summary, the available evidence is currently insufficient to determine the role of this variant in disease. Therefore, it has been classified as a Variant of Uncertain Significance. This variant disrupts the p.Asp866 amino acid residue in GLDC. Other variant(s) that disrupt this residue have been determined to be pathogenic (PMID: 27362913). This suggests that this residue is clinically significant, and that variants that disrupt this residue are likely to be disease-causing. Algorithms developed to predict the effect of missense changes on protein structure and function are either unavailable or do not agree on the potential impact of this missense change (SIFT: "Deleterious"; PolyPhen-2: "Probably Damaging"; Align-GVGD: "Class C0"). This variant is not present in population databases (ExAC no frequency). This sequence change replaces aspartic acid with glycine at codon 866 of the GLDC protein (p.Asp866Gly). The aspartic acid residue is highly conserved and there is a moderate physicochemical difference between aspartic acid and glycine.

Natera, Inc.
Classification: Uncertain significance for Non-ketotic hyperglycinemia. Last evaluated: 2021-05-13. Review status: no assertion criteria provided. Collection method: clinical testing. Allele origin: germline. Not counted in ClinVar's aggregate classification.

Literature cited by the submitters: PubMed 27362913 (cited by Labcorp Genetics (formerly Invitae), Labcorp).